The following is an entry in ClinVar:

ClinVar aggregate classification (germline): Uncertain significance (1 of 4 stars; one submission).

Conditions:
Brugada syndrome 8 (BRGDA8). Identifiers: Orphanet 130, MedGen C2751083, MONDO:0013148, OMIM 613123.

Submission:

Labcorp Genetics (formerly Invitae), Labcorp
Classification: Uncertain significance for Brugada syndrome 8. Last evaluated: 2025-01-25. Review status: criteria provided, single submitter. Criteria: Invitae Variant Classification Sherloc (09022015). Collection method: clinical testing. Allele origin: germline.
Comment: This sequence change creates a premature translational stop signal (p.Thr1071Serfs*107) in the HCN4 gene. While this is not anticipated to result in nonsense mediated decay, it is expected to disrupt the last 133 amino acid(s) of the HCN4 protein. This variant is not present in population databases (gnomAD no frequency). This variant has not been reported in the literature in individuals affected with HCN4-related conditions. Experimental studies and prediction algorithms are not available or were not evaluated, and the functional significance of this variant is currently unknown. In summary, the available evidence is currently insufficient to determine the role of this variant in disease. Therefore, it has been classified as a Variant of Uncertain Significance.

NM_005477.3(HCN4):c.3211_3220del (p.Thr1071fs)

Gene: HCN4 (hyperpolarization activated cyclic nucleotide gated potassium channel 4; minus strand). Cytogenetic location: 15q24.1.
Variant type: Deletion.
Coding change: c.3211_3220del on transcript NM_005477.3 (MANE Select); coding-DNA positions 3211 to 3220, 10 bases deleted (ACACCCCCGC; older notation c.3211_3220delACACCCCCGC).
Protein change: p.Thr1071fs; shifts the reading frame from threonine 1071.
Molecular consequence: frameshift variant.
Genome position (GRCh38, 1-based): chr15:73,322,873-73,322,882, GCGGGGGTGT deleted on the plus strand (ACACCCCCGC on the coding strand, the reverse complement: HCN4 is on the minus strand); deleting any 10 consecutive bases within chr15:73,322,873-73,322,884 gives the same sequence; the c. name uses the placement nearest the transcript's 3' end. VCF-style (leftmost placement, unchanged base first): chr15-73322872-AGCGGGGGTGT-A. GRCh37 (hg19) VCF-style: chr15-73615213-AGCGGGGGTGT-A.
Other names: short protein forms T1071fs.
Identifiers: ClinVar variation 3729513 (VCV003729513.2).